The following is an entry in ClinVar:

ClinVar aggregate classification (germline): Likely benign. Review status: criteria provided, multiple submitters, no conflicts (2 of 4 stars). 2 submissions from 2 submitters: Likely benign (2). Last evaluated 2025-12-02.

Conditions:
MARS1-related disorder. Also called: MARS1-related condition.
Severe early-onset pulmonary alveolar proteinosis due to MARS deficiency. Also called: PULMONARY ALVEOLAR PROTEINOSIS, REUNION ISLAND; Interstitial lung and liver disease. Identifiers: Orphanet 440427, MedGen C4225400, MONDO:0014206, OMIM 615486.
Charcot-Marie-Tooth disease axonal type 2U. Also called: CHARCOT-MARIE-TOOTH NEUROPATHY, TYPE 2U; CHARCOT-MARIE-TOOTH DISEASE, AXONAL, AUTOSOMAL DOMINANT, TYPE 2U. Identifiers: Orphanet 397735, MedGen C4084821, MONDO:0014566, OMIM 616280.

Allele frequency attached by ClinVar (database versions not stated): ExAC 0.00002; gnomAD 0.00003; gnomAD exomes 0.00003; TOPMed 0.00003; ESP Exome Variant Server 0.00008.
gnomAD v4.1: 47 of 1,614,104 alleles (0.0029%); highest among the groups gnomAD compares: Non-Finnish European, 0.004%; no homozygotes.

Submissions (2):

PreventionGenetics, part of Exact Sciences
Classification: Likely benign for MARS1-related condition. Last evaluated: 2025-12-02. Review status: criteria provided, single submitter. Criteria: ACMG Guidelines, 2015. Collection method: clinical testing. Allele origin: germline.
Comment: This variant is classified as likely benign based on ACMG/AMP sequence variant interpretation guidelines (Richards et al. 2015 PMID: 25741868, with internal and published modifications).

Labcorp Genetics (formerly Invitae), Labcorp
Classification: Likely benign for Charcot-Marie-Tooth disease axonal type 2U; Severe early-onset pulmonary alveolar proteinosis due to MARS deficiency. Last evaluated: 2025-11-28. Review status: criteria provided, single submitter. Criteria: Invitae Variant Classification Sherloc (09022015). Collection method: clinical testing. Allele origin: germline.

NM_004990.4(MARS1):c.1914G>A (p.Leu638=)

Gene: MARS1 (methionyl-tRNA synthetase 1; plus strand). Cytogenetic location: 12q13.3.
Variant type: single nucleotide variant.
Coding change: c.1914G>A on transcript NM_004990.4 (MANE Select); coding-DNA position 1914, G replaced by A.
Protein change: p.Leu638=; no amino-acid change (leucine 638 retained).
Molecular consequence: synonymous variant.
Genome position (GRCh38, 1-based): chr12:57,512,911, G>A. VCF-style: chr12-57512911-G-A. GRCh37 (hg19) VCF-style: chr12-57906694-G-A.
Other names: c.1914G>A (NM_004990.3).
Identifiers: ClinVar variation 2950824 (VCV002950824.4), dbSNP rs367626488, ClinGen allele CA6650648.
Genomic context (GRCh38, chr12:57,512,911, plus strand): 5'-CTTCTATCTGCTGTACATTCGGCCTGAGGGCCAGGACAGTGCTTTCTCCTGGACGGACCT[G>A]CTGCTGAAGAATAATTCTGAGCTGCTTAACAACCTGGGCAACTTCATCAACAGGTAGGAC-3'
Protein context (NP_004981.2, residues 628-648): GQDSAFSWTD[Leu638=]LLKNNSELLN